The following is an entry in ClinVar:

ClinVar aggregate classification (germline): Likely benign (1 of 4 stars; one submission).

Submission:

CeGaT Center for Human Genetics Tuebingen
Classification: Likely benign. Last evaluated: 2026-05-01. Review status: criteria provided, single submitter. Criteria: CeGaT Center For Human Genetics Tuebingen Variant Classification Criteria Version 2. Collection method: clinical testing. Allele origin: germline. Affected: yes. Observed: 1 variant allele.
Comment: HLA-DRB5: PM2:Supporting, BP4, BP7

NM_002125.4(HLA-DRB5):c.447T>C (p.Asn149=)

Gene: HLA-DRB5 (major histocompatibility complex, class II, DR beta 5; minus strand). Cytogenetic location: 6p21.32.
Variant type: single nucleotide variant.
Coding change: c.447T>C on transcript NM_002125.4 (MANE Select); coding-DNA position 447, T replaced by C.
Protein change: p.Asn149=; no amino-acid change (asparagine 149 retained).
Molecular consequence: synonymous variant.
Genome position (GRCh38, 1-based): chr6:32,519,575, A>G on the plus strand (T>C on the coding strand, the complement: HLA-DRB5 is on the minus strand). VCF-style: chr6-32519575-A-G. GRCh37 (hg19) VCF-style: chr6-32487352-A-G.
Identifiers: ClinVar variation 4872829 (VCV004872829.2).
Genomic context (GRCh38, chr6:32,519,575, plus strand): 5'-AGCCTTCTCTTCCTGGCTGTTCCGGAACCACCTGACTTCAATGCTGCCTGGATAGAAACC[A>G]TTCACAGAGCAGACCAGGAGGTTGTGGTGCTGCAGGGTCTGGGTCCTTGCAGGATACACA-3'
Protein context (NP_002116.2, residues 139-159): QHHNLLVCSV[Asn149=]GFYPGSIEVR